The following is an entry in ClinVar:

ClinVar aggregate classification (germline): Conflicting classifications of pathogenicity. Review status: criteria provided, conflicting classifications (1 of 4 stars). 3 submissions from 3 submitters: Uncertain significance (2); Likely benign (1). Last evaluated 2023-11-01.

Conditions:
Hereditary cancer-predisposing syndrome. Also called: Tumor predisposition; Hereditary Cancer Syndrome; Hereditary neoplastic syndrome; Neoplastic Syndromes, Hereditary. Identifiers: Orphanet 140162, MedGen C0027672, MeSH D009386, MONDO:0015356.
Ataxia-telangiectasia syndrome (AT). Also called: LOUIS-BAR SYNDROME; Cerebello-oculocutaneous telangiectasia; Immunodeficiency with ataxia telangiectasia; ATAXIA-TELANGIECTASIA, COMPLEMENTATION GROUP A; ATAXIA-TELANGIECTASIA, FRESNO VARIANT; Ataxia-telangiectasia. Identifiers: Orphanet 100, MedGen C0004135, MONDO:0008840, OMIM 208900.

Allele frequency attached by ClinVar (database versions not stated): gnomAD exomes 0.00001.
gnomAD v4.1: 5 of 1,613,980 alleles (0.00031%); highest among the groups gnomAD compares: South Asian, 0.0033%; no homozygotes.

Submissions (3):

Ambry Genetics
Classification: Likely benign for Hereditary cancer-predisposing syndrome. Last evaluated: 2023-11-01. Review status: criteria provided, single submitter. Criteria: Ambry Variant Classification Scheme 2023. Collection method: clinical testing. Allele origin: germline.

Labcorp Genetics (formerly Invitae), Labcorp
Classification: Uncertain significance for Ataxia-telangiectasia syndrome. Last evaluated: 2022-02-02. Review status: criteria provided, single submitter. Criteria: Invitae Variant Classification Sherloc (09022015). Collection method: clinical testing. Allele origin: germline.
Comment: In summary, the available evidence is currently insufficient to determine the role of this variant in disease. Therefore, it has been classified as a Variant of Uncertain Significance. Advanced modeling of protein sequence and biophysical properties (such as structural, functional, and spatial information, amino acid conservation, physicochemical variation, residue mobility, and thermodynamic stability) performed at Invitae indicates that this missense variant is not expected to disrupt ATM protein function. ClinVar contains an entry for this variant (Variation ID: 181918). This variant has not been reported in the literature in individuals affected with ATM-related conditions. This variant is not present in population databases (gnomAD no frequency). This sequence change replaces glutamine, which is neutral and polar, with glutamic acid, which is acidic and polar, at codon 404 of the ATM protein (p.Gln404Glu).

GeneDx
Classification: Uncertain significance. Last evaluated: 2014-08-15. Review status: criteria provided, single submitter. Criteria: GeneDx Variant Classification (06012015). Collection method: clinical testing. Allele origin: germline. Affected: yes.
Comment: This variant is denoted ATM c.1210C>G at the cDNA level, p.Gln404Glu (Q404E) at the protein level, and results in the change of a Glutamine to a Glutamic Acid (CAG>GAG). This variant has not, to our knowledge, been published in the literature as pathogenic or benign. ATM Gln404Glu was not observed in approximately 6,500 individuals of European and African American ancestry in the NHLBI Exome Sequencing Project, indicating it is not a common benign variant in these populations. Since Glutamine and Glutamic Acid differ in some properties, this is considered a semi-conservative amino acid substitution. ATM Gln404Glu occurs at a position that is conserved through mammals and is not located in a known functional domain. In silico analyses predict that this variant is unlikely to alter protein structure or function. Based on currently available information, it is unclear whether ATM Gln404Glu is pathogenic or benign. We consider it to be a variant of uncertain significance.

NM_000051.4(ATM):c.1210C>G (p.Gln404Glu)

Gene: ATM (ATM serine/threonine kinase; plus strand). Cytogenetic location: 11q22.3.
Variant type: single nucleotide variant.
Coding change: c.1210C>G on transcript NM_000051.4 (MANE Select); coding-DNA position 1210, C replaced by G.
Protein change: p.Gln404Glu; replaces glutamine 404 with glutamic acid.
Molecular consequence: missense variant.
Genome position (GRCh38, 1-based): chr11:108,249,077, C>G. VCF-style: chr11-108249077-C-G. GRCh37 (hg19) VCF-style: chr11-108119804-C-G.
Other names: p.Q404E:CAG>GAG; c.1210C>G, p.Gln404Glu (NM_001351834.2); short protein forms Q404E.
Identifiers: ClinVar variation 181918 (VCV000181918.10), dbSNP rs730881340, ClinGen allele CA298138.